The following is an entry in ClinVar:

ClinVar aggregate classification (germline): Uncertain significance (1 of 4 stars; one submission).

gnomAD v4.1: 21 of 1,614,078 alleles (0.0013%); highest among the groups gnomAD compares: Non-Finnish European, 0.0017%; no homozygotes.

Submission:

Labcorp Genetics (formerly Invitae), Labcorp
Classification: Uncertain significance. Last evaluated: 2025-12-22. Review status: criteria provided, single submitter. Criteria: Invitae Variant Classification Sherloc (09022015). Collection method: clinical testing. Allele origin: germline.
Comment: This sequence change replaces serine, which is neutral and polar, with phenylalanine, which is neutral and non-polar, at codon 410 of the CYP51A1 protein (p.Ser410Phe). This variant is present in population databases (no rsID available, gnomAD 0.002%). This variant has not been reported in the literature in individuals affected with CYP51A1-related conditions. An algorithm developed to predict the effect of missense changes on protein structure and function (PolyPhen-2) suggests that this variant is likely to be disruptive. In summary, the available evidence is currently insufficient to determine the role of this variant in disease. Therefore, it has been classified as a Variant of Uncertain Significance.

NM_000786.4(CYP51A1):c.1229C>T (p.Ser410Phe)

Gene: CYP51A1 (cytochrome P450 family 51 subfamily A member 1; minus strand). Cytogenetic location: 7q21.2.
Variant type: single nucleotide variant.
Coding change: c.1229C>T on transcript NM_000786.4 (MANE Select); coding-DNA position 1229, C replaced by T.
Protein change: p.Ser410Phe; replaces serine 410 with phenylalanine.
Molecular consequence: missense variant.
Genome position (GRCh38, 1-based): chr7:92,117,166, G>A on the plus strand (C>T on the coding strand, the complement: CYP51A1 is on the minus strand). VCF-style: chr7-92117166-G-A. GRCh37 (hg19) VCF-style: chr7-91746480-G-A.
Other names: c.914C>T, p.Ser305Phe (NM_001146152.2); short protein forms S305F, S410F.
Identifiers: ClinVar variation 4708342 (VCV004708342.1).